The following is an entry in ClinVar:

NM_007294.4(BRCA1):c.1172A>G (p.Glu391Gly)

Gene: BRCA1 (BRCA1 DNA repair associated; minus strand). Cytogenetic location: 17q21.31.
Variant type: single nucleotide variant.
Coding change: c.1172A>G on transcript NM_007294.4 (MANE Select); coding-DNA position 1172, A replaced by G.
Protein change: p.Glu391Gly; replaces glutamic acid 391 with glycine.
Molecular consequence: missense variant. On other transcripts: intron variant (137).
Genome position (GRCh38, 1-based): chr17:43,094,359, T>C on the plus strand (A>G on the coding strand, the complement: BRCA1 is on the minus strand). VCF-style: chr17-43094359-T-C. GRCh37 (hg19) VCF-style: chr17-41246376-T-C.
Other names: c.959A>G, p.Glu320Gly (NM_001407571.1, NM_001407897.1, NM_001407898.1 and 9 more transcripts); c.1172A>G, p.Glu391Gly (NM_001407581.1, NM_001407582.1, NM_001407858.1 and 30 more transcripts); c.1046A>G, p.Glu349Gly (NM_001407686.1, NM_001407687.1, NM_001407688.1 and 11 more transcripts); c.1031A>G, p.Glu344Gly (NM_001407692.1, NM_001407694.1, NM_001407695.1 and 29 more transcripts); c.1028A>G, p.Glu343Gly (NM_001407838.1, NM_001407839.1, NM_001407841.1 and 20 more transcripts); c.1169A>G, p.Glu390Gly (NM_001407860.1, NM_001407861.1, NM_001407610.1 and 22 more transcripts); c.971A>G, p.Glu324Gly (NM_001407862.1); c.1049A>G, p.Glu350Gly (NM_001407863.1, NM_001407648.1, NM_001407667.1 and 19 more transcripts); and 40 more; short protein forms E320G, E324G, E390G, E264G, E279G, E280G, E302G, E323G.
Identifiers: ClinVar variation 4824191 (VCV004824191.1).

ClinVar aggregate classification (germline): Uncertain significance (1 of 4 stars; one submission).

Conditions:
Hereditary cancer-predisposing syndrome. Also called: Neoplastic Syndromes, Hereditary; Hereditary neoplastic syndrome; Tumor predisposition; Hereditary Cancer Syndrome. Identifiers: Orphanet 140162, MedGen C0027672, MeSH D009386, MONDO:0015356.

Submission:

Ambry Genetics
Classification: Uncertain significance for Hereditary cancer-predisposing syndrome. Last evaluated: 2026-01-29. Review status: criteria provided, single submitter. Criteria: Ambry Variant Classification Scheme 2023. Collection method: clinical testing. Allele origin: germline.
Comment: The p.E391G variant (also known as c.1172A>G), located in coding exon 9 of the BRCA1 gene, results from an A to G substitution at nucleotide position 1172. The glutamic acid at codon 391 is replaced by glycine, an amino acid with similar properties. This amino acid position is not well conserved in available vertebrate species. In addition, the in silico prediction for this alteration is inconclusive. Based on the available evidence, the clinical significance of this variant remains unclear.